The following is an entry in ClinVar:

NM_015158.5(KANK1):c.1147G>A (p.Asp383Asn)

Gene: KANK1 (KN motif and ankyrin repeat domains 1; plus strand). Cytogenetic location: 9p24.3.
Variant type: single nucleotide variant.
Coding change: c.1147G>A on transcript NM_015158.5 (MANE Select); coding-DNA position 1147, G replaced by A.
Protein change: p.Asp383Asn; replaces aspartic acid 383 with asparagine.
Molecular consequence: missense variant. On other transcripts: non-coding transcript variant (1).
Genome position (GRCh38, 1-based): chr9:711,913, G>A. VCF-style: chr9-711913-G-A. GRCh37 (hg19) VCF-style: chr9-711913-G-A.
Other names: c.1147G>A, p.Asp383Asn (NM_001256876.3, NM_001256877.3, NM_001354331.2 and 2 more transcripts); c.673G>A, p.Asp225Asn (NM_001354333.2, NM_001354335.2, NM_001354336.2 and 9 more transcripts); short protein forms D225N, D383N.
Identifiers: ClinVar variation 1928227 (VCV001928227.5), dbSNP rs778555728, ClinGen allele CA4960134.
Genomic context (GRCh38, chr9:711,913, plus strand): 5'-AGGATAAAGGAGTTCCGGCAACTTACAGCAGACATGCAAGCCCTGGAGCAGAAGATCCAG[G>A]ACAGCAGCTGTGAGGCCTCCTCAGAGCTCAGGGAGAATGGAGAGTGCCGGTCTGTGGCTG-3'
Protein context (NP_055973.2, residues 373-393): DMQALEQKIQ[Asp383Asn]SSCEASSELR

ClinVar aggregate classification (germline): Uncertain significance (1 of 4 stars; one submission).

Allele frequency attached by ClinVar (database versions not stated): ExAC 0.00002.

Submission:

Labcorp Genetics (formerly Invitae), Labcorp
Classification: Uncertain significance. Last evaluated: 2022-10-03. Review status: criteria provided, single submitter. Criteria: Invitae Variant Classification Sherloc (09022015). Collection method: clinical testing. Allele origin: germline.
Comment: In summary, the available evidence is currently insufficient to determine the role of this variant in disease. Therefore, it has been classified as a Variant of Uncertain Significance. Advanced modeling of protein sequence and biophysical properties (such as structural, functional, and spatial information, amino acid conservation, physicochemical variation, residue mobility, and thermodynamic stability) performed at Invitae indicates that this missense variant is expected to disrupt KANK1 protein function. This variant has not been reported in the literature in individuals affected with KANK1-related conditions. This variant is present in population databases (rs778555728, gnomAD 0.01%). This sequence change replaces aspartic acid, which is acidic and polar, with asparagine, which is neutral and polar, at codon 383 of the KANK1 protein (p.Asp383Asn).